The following is an entry in ClinVar:

NM_014946.4(SPAST):c.1408G>C (p.Asp470His)

Gene: SPAST (spastin; plus strand). Cytogenetic location: 2p22.3.
Variant type: single nucleotide variant.
Coding change: c.1408G>C on transcript NM_014946.4 (MANE Select); coding-DNA position 1408, G replaced by C.
Protein change: p.Asp470His; replaces aspartic acid 470 with histidine.
Molecular consequence: missense variant.
Genome position (GRCh38, 1-based): chr2:32,136,963, G>C. VCF-style: chr2-32136963-G-C. GRCh37 (hg19) VCF-style: chr2-32362032-G-C.
Other names: c.1405G>C, p.Asp469His (NM_001363823.2); c.1309G>C, p.Asp437His (NM_001363875.2); c.1312G>C, p.Asp438His (NM_001377959.1, NM_199436.2); short protein forms D437H, D438H, D470H, D469H.
Identifiers: ClinVar variation 948498 (VCV000948498.9), dbSNP rs1553318261, ClinGen allele CA346502355.

ClinVar aggregate classification (germline): Uncertain significance (1 of 4 stars; one submission).

Conditions:
Hereditary spastic paraplegia 4. Also called: Spastic paraplegia 4, autosomal dominant; Spastic Paraplegia 4; Familial spastic paraplegia autosomal dominant 2. Identifiers: Orphanet 100985, MedGen C1866855, MONDO:0008438, OMIM 182601.

Submission:

Labcorp Genetics (formerly Invitae), Labcorp
Classification: Uncertain significance for Hereditary spastic paraplegia 4. Last evaluated: 2019-07-26. Review status: criteria provided, single submitter. Criteria: Invitae Variant Classification Sherloc (09022015). Collection method: clinical testing. Allele origin: germline.
Comment: In summary, the available evidence is currently insufficient to determine the role of this variant in disease. Therefore, it has been classified as a Variant of Uncertain Significance. This variant disrupts the p.Asp470 amino acid residue in SPAST. Other variant(s) that disrupt this residue have been determined to be pathogenic (PMID: 15248095). This suggests that this residue is clinically significant, and that variants that disrupt this residue are likely to be disease-causing. Algorithms developed to predict the effect of missense changes on protein structure and function are either unavailable or do not agree on the potential impact of this missense change (SIFT: "Deleterious"; PolyPhen-2: "Probably Damaging"; Align-GVGD: "Class C15"). This variant has not been reported in the literature in individuals with SPAST-related conditions. This variant is not present in population databases (ExAC no frequency). This sequence change replaces aspartic acid with histidine at codon 470 of the SPAST protein (p.Asp470His). The aspartic acid residue is highly conserved and there is a moderate physicochemical difference between aspartic acid and histidine.

Literature cited by the submitters: PubMed 15248095.